The following is an entry in ClinVar:

ClinVar aggregate classification (germline): Uncertain significance. Review status: criteria provided, multiple submitters, no conflicts (2 of 4 stars). 2 submissions from 2 submitters: Uncertain significance (2). Last evaluated 2025-10-22.

Conditions:
Inborn genetic diseases. Identifiers: MedGen C0950123, MeSH D030342.
Mucolipidosis type II. Also called: Mucolipidosis II Alpha/Beta; ML II ALPHA/BETA; Mucolipidosis 2; ML 2; Inclusion cell disease; Leroy Disease. Identifiers: Orphanet 576, MedGen C2673377, MONDO:0009650, OMIM 252500.
Pseudo-Hurler polydystrophy. Also called: MUCOLIPIDOSIS IIIA; ML III; ML III ALPHA/BETA; Type III Mucolipidosis; ML IIIA; Mucolipidosis III Alpha/Beta. Identifiers: Orphanet 423461, Orphanet 577, MedGen C0033788, MONDO:0018931, OMIM 252600.

Submissions (2):

Ambry Genetics
Classification: Uncertain significance for Inborn genetic diseases. Last evaluated: 2025-10-22. Review status: criteria provided, single submitter. Criteria: Ambry Variant Classification Scheme 2023. Collection method: clinical testing. Allele origin: germline.

Labcorp Genetics (formerly Invitae), Labcorp
Classification: Uncertain significance for Pseudo-Hurler polydystrophy; Mucolipidosis type II. Last evaluated: 2022-06-14. Review status: criteria provided, single submitter. Criteria: Invitae Variant Classification Sherloc (09022015). Collection method: clinical testing. Allele origin: germline.
Comment: This sequence change replaces glutamine, which is neutral and polar, with histidine, which is basic and polar, at codon 1006 of the GNPTAB protein (p.Gln1006His). This variant is not present in population databases (gnomAD no frequency). This variant has not been reported in the literature in individuals affected with GNPTAB-related conditions. Advanced modeling of protein sequence and biophysical properties (such as structural, functional, and spatial information, amino acid conservation, physicochemical variation, residue mobility, and thermodynamic stability) performed at Invitae indicates that this missense variant is not expected to disrupt GNPTAB protein function. In summary, the available evidence is currently insufficient to determine the role of this variant in disease. Therefore, it has been classified as a Variant of Uncertain Significance.

NM_024312.5(GNPTAB):c.3018G>C (p.Gln1006His)

Gene: GNPTAB (N-acetylglucosamine-1-phosphate transferase subunits alpha and beta; minus strand). Cytogenetic location: 12q23.2.
Variant type: single nucleotide variant.
Coding change: c.3018G>C on transcript NM_024312.5 (MANE Select); coding-DNA position 3018, G replaced by C.
Protein change: p.Gln1006His; replaces glutamine 1006 with histidine.
Molecular consequence: missense variant.
Genome position (GRCh38, 1-based): chr12:101,761,244, C>G on the plus strand (G>C on the coding strand, the complement: GNPTAB is on the minus strand). VCF-style: chr12-101761244-C-G. GRCh37 (hg19) VCF-style: chr12-102155022-C-G.
Other names: c.3018G>C (NM_024312.4); short protein forms Q1006H.
Identifiers: ClinVar variation 1913029 (VCV001913029.6), dbSNP rs2547954352, ClinGen allele CA386295586.